The following is an entry in ClinVar:

NM_006348.5(COG5):c.839G>T (p.Gly280Val)

Gene: COG5 (component of oligomeric golgi complex 5; minus strand). Cytogenetic location: 7q22.3.
Variant type: single nucleotide variant.
Coding change: c.839G>T on transcript NM_006348.5 (MANE Select); coding-DNA position 839, G replaced by T.
Protein change: p.Gly280Val; replaces glycine 280 with valine.
Molecular consequence: missense variant. On other transcripts: intron variant (2).
Genome position (GRCh38, 1-based): chr7:107,362,417, C>A on the plus strand (G>T on the coding strand, the complement: COG5 is on the minus strand). VCF-style: chr7-107362417-C-A. GRCh37 (hg19) VCF-style: chr7-107002862-C-A.
Other names: c.839G>T, p.Gly280Val (NM_001161520.2, NM_001379511.1, NM_001379512.1 and 3 more transcripts); c.235-307G>T (NM_001379516.1); c.539-64071G>T (NM_001379515.1); c.932G>T (NM_006348.3); short protein forms G280V.
Identifiers: ClinVar variation 1474120 (VCV001474120.9), dbSNP rs138072101, ClinGen allele CA4431083.
Genomic context (GRCh38, chr7:107,362,417, plus strand): 5'-CAGAATGAGGCACGCAAAGCTGCAGTATTTCCTGGGGTTGGCATGGTAGATCGTCCAGGT[C>A]CCCCTGGTTATGAGTGAGAAAGAACAATGAAAAATAAAGTTTTCCAAAGGCAAATATATA-3'
Protein context (NP_006339.4, residues 270-290): TQPSQSAVRG[Gly280Val]PGRSTMPTPG

ClinVar aggregate classification (germline): Uncertain significance. Review status: criteria provided, multiple submitters, no conflicts (2 of 4 stars). 2 submissions from 2 submitters: Uncertain significance (2). Last evaluated 2026-01-11.

Conditions:
COG5-congenital disorder of glycosylation. Also called: CONGENITAL DISORDER OF GLYCOSYLATION, TYPE IIi; COG5-CDG; CDG IIi. Identifiers: Orphanet 263487, MedGen C3150876, MONDO:0013325, OMIM 613612.
COG5-related disorder. Also called: COG5-related condition.

Allele frequency attached by ClinVar (database versions not stated): gnomAD exomes below 0.00001; ExAC 0.00001; gnomAD 0.00001; ESP Exome Variant Server 0.00008.

Submissions (2):

PreventionGenetics, part of Exact Sciences
Classification: Uncertain significance for COG5-related condition. Last evaluated: 2026-01-11. Review status: criteria provided, single submitter. Criteria: ACMG Guidelines, 2015. Collection method: clinical testing. Allele origin: germline.
Comment: The COG5 c.932G>T variant is predicted to result in the amino acid substitution p.Gly311Val. To our knowledge, this variant has not been reported in the literature. This variant is reported in 0.0062% of alleles in individuals of African descent in gnomAD. At this time, the clinical significance of this variant is uncertain due to the absence of conclusive functional and genetic evidence.

Labcorp Genetics (formerly Invitae), Labcorp
Classification: Uncertain significance for COG5-congenital disorder of glycosylation. Last evaluated: 2021-05-04. Review status: criteria provided, single submitter. Criteria: Invitae Variant Classification Sherloc (09022015). Collection method: clinical testing. Allele origin: germline.
Comment: This sequence change replaces glycine with valine at codon 311 of the COG5 protein (p.Gly311Val). The glycine residue is moderately conserved and there is a moderate physicochemical difference between glycine and valine. This variant is present in population databases (rs138072101, ExAC 0.01%). This variant has not been reported in the literature in individuals with COG5-related conditions. Algorithms developed to predict the effect of missense changes on protein structure and function are either unavailable or do not agree on the potential impact of this missense change (SIFT: "Deleterious"; PolyPhen-2: "Possibly Damaging"; Align-GVGD: "Class C0"). Algorithms developed to predict the effect of sequence changes on RNA splicing suggest that this variant may create or strengthen a splice site, but this prediction has not been confirmed by published transcriptional studies. In summary, the available evidence is currently insufficient to determine the role of this variant in disease. Therefore, it has been classified as a Variant of Uncertain Significance.